The following is an entry in ClinVar:

ClinVar aggregate classification (germline): Uncertain significance (1 of 4 stars; one submission).

Conditions:
Malignant hyperthermia, susceptibility to, 1 (MHS1). Also called: RYR1-Related Malignant Hyperthermia Susceptibility; Malignant hyperthermia suceptibility 1; Anesthesia related hyperthermia; Malignant hyperpyrexia; Fulminating hyperpyrexia; Pharmacogenic myopathy. Identifiers: Orphanet 423, MedGen C2930980, MONDO:0007783, OMIM 145600.

Submission:

Color Diagnostics, LLC DBA Color Health
Classification: Uncertain significance for Malignant hyperthermia, susceptibility to, 1. Last evaluated: 2025-09-14. Review status: criteria provided, single submitter. Criteria: ACMG Guidelines, 2015. Collection method: clinical testing. Allele origin: germline.
Comment: This missense variant replaces leucine with proline at codon 389 of the RYR1 protein. Computational prediction suggests that this variant may have deleterious impact on protein structure and function. To our knowledge, functional studies have not been reported for this variant. This variant has not been reported in individuals affected with RYR1-related disorders in the literature. This variant has not been identified in the general population by the Genome Aggregation Database (gnomAD). The available evidence is insufficient to determine the role of this variant in disease conclusively. Therefore, this variant is classified as a Variant of Uncertain Significance.

NM_000540.3(RYR1):c.1166T>C (p.Leu389Pro)

Gene: RYR1 (ryanodine receptor 1; plus strand). Cytogenetic location: 19q13.2.
Variant type: single nucleotide variant.
Coding change: c.1166T>C on transcript NM_000540.3 (MANE Select); coding-DNA position 1166, T replaced by C.
Protein change: p.Leu389Pro; replaces leucine 389 with proline.
Molecular consequence: missense variant.
Genome position (GRCh38, 1-based): chr19:38,451,807, T>C. VCF-style: chr19-38451807-T-C. GRCh37 (hg19) VCF-style: chr19-38942447-T-C.
Other names: c.1166T>C, p.Leu389Pro (NM_001042723.2); short protein forms L389P.
Identifiers: ClinVar variation 4756570 (VCV004756570.1).